The following is an entry in ClinVar:

ClinVar aggregate classification (germline): Likely benign. Review status: criteria provided, multiple submitters, no conflicts (2 of 4 stars). 2 submissions from 2 submitters: Likely benign (2). Last evaluated 2025-12-17.

Allele frequency attached by ClinVar (database versions not stated): ExAC 0.00007; gnomAD exomes 0.00010; TOPMed 0.00013; gnomAD 0.00014 and 0.00016; 1000 Genomes Project 0.00020; 1000 Genomes Project 30x 0.00031.
gnomAD v4.1: 226 of 1,536,738 alleles (0.015%); highest among the groups gnomAD compares: African/African-American, 0.033%; no homozygotes.

Submissions (2):

Labcorp Genetics (formerly Invitae), Labcorp
Classification: Likely benign. Last evaluated: 2025-12-17. Review status: criteria provided, single submitter. Criteria: Invitae Variant Classification Sherloc (09022015). Collection method: clinical testing. Allele origin: germline.

CeGaT Center for Human Genetics Tuebingen
Classification: Likely benign. Last evaluated: 2025-04-01. Review status: criteria provided, single submitter. Criteria: CeGaT Center For Human Genetics Tuebingen Variant Classification Criteria Version 2. Collection method: clinical testing. Allele origin: germline. Affected: yes. Observed: 1 variant allele.
Comment: COL18A1: BP4, BP7

NM_001379500.1(COL18A1):c.3444G>A (p.Pro1148=)

Genes: COL18A1 (collagen type XVIII alpha 1 chain; plus strand), SLC19A1 (solute carrier family 19 member 1; minus strand). Cytogenetic location: 21q22.3.
Variant type: single nucleotide variant.
Coding change: c.3444G>A on transcript NM_001379500.1 (MANE Select); coding-DNA position 3444, G replaced by A.
Protein change: p.Pro1148=; no amino-acid change (proline 1148 retained).
Molecular consequence: synonymous variant.
Genome position (GRCh38, 1-based): chr21:45,509,550, G>A. VCF-style: chr21-45509550-G-A. GRCh37 (hg19) VCF-style: chr21-46929464-G-A.
Other names: c.3975G>A, p.Pro1325= (NM_030582.4); c.4680G>A, p.Pro1560= (NM_130444.3).
Identifiers: ClinVar variation 1368499 (VCV001368499.15), dbSNP rs150227889, ClinGen allele CA10067892.